The following is an entry in ClinVar:

NM_001098672.2(HEPHL1):c.1997T>C (p.Ile666Thr)

Gene: HEPHL1 (hephaestin like 1; plus strand). Cytogenetic location: 11q21.
Variant type: single nucleotide variant.
Coding change: c.1997T>C on transcript NM_001098672.2 (MANE Select); coding-DNA position 1997, T replaced by C.
Protein change: p.Ile666Thr; replaces isoleucine 666 with threonine.
Molecular consequence: missense variant.
Genome position (GRCh38, 1-based): chr11:94,086,106, T>C. VCF-style: chr11-94086106-T-C. GRCh37 (hg19) VCF-style: chr11-93819272-T-C.
Other names: short protein forms I666T.
Identifiers: ClinVar variation 4538232 (VCV004538232.1).
Genomic context (GRCh38, chr11:94,086,106, plus strand): 5'-ATCTGATTGGATTGGGCACTGACACTGACATGCATGGAATTGTTTTTCAAGGGAACACCA[T>C]CCACCTACGAGGGACTCACCGAGACTCCCTGGCCCTGTTTCCCCACATGGCCACAACAGC-3'
Protein context (NP_001092142.1, residues 656-676): MHGIVFQGNT[Ile666Thr]HLRGTHRDSL

ClinVar aggregate classification (germline): Uncertain significance (1 of 4 stars; one submission).

gnomAD v4.1: 68 of 1,613,684 alleles (0.0042%); highest among the groups gnomAD compares: Non-Finnish European, 0.0057%; no homozygotes.

Submission:

Greenwood Genetic Center Diagnostic Laboratories, Greenwood Genetic Center
Classification: Uncertain significance. Last evaluated: 2025-05-13. Review status: criteria provided, single submitter. Criteria: ACMG Guidelines, 2015. Collection method: clinical testing. Allele origin: germline. Affected: yes.
Comment: Gene of Uncertain Significance